The following is an entry in ClinVar:

NM_006031.6(PCNT):c.2865C>T (p.Ala955=)

Gene: PCNT (pericentrin; plus strand). Cytogenetic location: 21q22.3.
Variant type: single nucleotide variant.
Coding change: c.2865C>T on transcript NM_006031.6 (MANE Select); coding-DNA position 2865, C replaced by T.
Protein change: p.Ala955=; no amino-acid change (alanine 955 retained).
Molecular consequence: synonymous variant.
Genome position (GRCh38, 1-based): chr21:46,366,839, C>T. VCF-style: chr21-46366839-C-T. GRCh37 (hg19) VCF-style: chr21-47786754-C-T.
Other names: c.2511C>T, p.Ala837= (NM_001315529.2).
Identifiers: ClinVar variation 211850 (VCV000211850.19), dbSNP rs540548340, ClinGen allele CA207961.
Genomic context (GRCh38, chr21:46,366,839, plus strand): 5'-GAGCAAGCAGGGGGCTCTGCTGGCTGCACGTGTGGCCGAACTGCAGACAAAACACGCTGC[C>T]GACCTCGGCGCTCTGGAGACCAGACATCTGTCCAGCCTTGATTCTTTGGAATCCTGTTAC-3'
Protein context (NP_006022.3, residues 945-965): RVAELQTKHA[Ala955=]DLGALETRHL

ClinVar aggregate classification (germline): Benign/Likely benign. Review status: criteria provided, multiple submitters, no conflicts (2 of 4 stars). 5 submissions from 5 submitters: Benign (1); Likely benign (3). 1 of the submissions does not count toward it. Last evaluated 2026-01-25.

Conditions:
PCNT-related disorder. Also called: PCNT-related condition.
Microcephalic osteodysplastic primordial dwarfism type II (MOPD2). Also called: Microcephalic osteodysplastic primordial dwarfism with tooth abnormalities; MOPD II; OSTEODYSPLASTIC PRIMORDIAL DWARFISM, TYPE II. Identifiers: Orphanet 2637, MedGen C0432246, MONDO:0008872, OMIM 210720.

Allele frequency attached by ClinVar (database versions not stated): gnomAD 0.00002 and 0.00035; TOPMed 0.00008; ExAC 0.00133; 1000 Genomes Project 30x 0.00203; 1000 Genomes Project 0.00220.
gnomAD v4.1: 945 of 1,614,008 alleles (0.059%); highest among the groups gnomAD compares: South Asian, 0.97%; 11 homozygotes.

Submissions (5):

Labcorp Genetics (formerly Invitae), Labcorp
Classification: Benign. Last evaluated: 2026-01-25. Review status: criteria provided, single submitter. Criteria: Invitae Variant Classification Sherloc (09022015). Collection method: clinical testing. Allele origin: germline.

Blueprint Genetics
Classification: Likely benign. Last evaluated: 2024-11-13. Review status: criteria provided, single submitter. Criteria: ACMG Guidelines, 2015. Collection method: clinical testing. Allele origin: germline.

Illumina Laboratory Services, Illumina
Classification: Likely benign for Microcephalic osteodysplastic primordial dwarfism type II. Last evaluated: 2018-01-13. Review status: criteria provided, single submitter. Criteria: ICSL Variant Classification Criteria 13 December 2019. Collection method: clinical testing. Allele origin: germline.
Comment: This variant was observed in the ICSL laboratory as part of a predisposition screen in an ostensibly healthy population. It had not been previously curated by ICSL or reported in the Human Gene Mutation Database (HGMD: prior to June 1st, 2018), and was therefore a candidate for classification through an automated scoring system. Utilizing variant allele frequency, disease prevalence and penetrance estimates, and inheritance mode, an automated score was calculated to assess if this variant is too frequent to cause the disease. Based on the score and internal cut-off values, a variant classified as likely benign is not then subjected to further curation. The score for this variant resulted in a classification of likely benign for this disease.

Genetic Services Laboratory, University of Chicago
Classification: Likely benign. Last evaluated: 2016-09-12. Review status: criteria provided, single submitter. Criteria: ACMG Guidelines, 2015. Collection method: clinical testing. Allele origin: germline. Affected: no.

PreventionGenetics, part of Exact Sciences
Classification: Likely benign for PCNT-related condition. Last evaluated: 2021-09-30. Review status: no assertion criteria provided. Collection method: clinical testing. Allele origin: germline. Not counted in ClinVar's aggregate classification.
Comment: This variant is classified as likely benign based on ACMG/AMP sequence variant interpretation guidelines (Richards et al. 2015 PMID: 25741868, with internal and published modifications).